The following is an entry in ClinVar:

ClinVar aggregate classification (germline): Likely benign (0 of 4 stars; one submission).

Conditions:
MUC16-related disorder. Also called: MUC16-related condition.

Allele frequency attached by ClinVar (database versions not stated): gnomAD 0.00001; TOPMed 0.00002.

Submission:

PreventionGenetics, part of Exact Sciences
Classification: Likely benign for MUC16-related condition. Last evaluated: 2019-09-18. Review status: no assertion criteria provided. Collection method: clinical testing. Allele origin: germline.
Comment: This variant is classified as likely benign based on ACMG/AMP sequence variant interpretation guidelines (Richards et al. 2015 PMID: 25741868, with internal and published modifications).

NM_001401501.2(MUC16):c.43044C>G (p.Thr14348=)

Gene: MUC16 (mucin 16, cell surface associated; minus strand). Cytogenetic location: 19p13.2.
Variant type: single nucleotide variant.
Coding change: c.43044C>G on transcript NM_001401501.2 (MANE Select); coding-DNA position 43044, C replaced by G.
Protein change: p.Thr14348=; no amino-acid change (threonine 14348 retained).
Molecular consequence: synonymous variant.
Genome position (GRCh38, 1-based): chr19:8,889,790, G>C on the plus strand (C>G on the coding strand, the complement: MUC16 is on the minus strand). VCF-style: chr19-8889790-G-C. GRCh37 (hg19) VCF-style: chr19-9000466-G-C.
Other names: c.43470C>G, p.Thr14490= (NM_001414686.1); c.42924C>G, p.Thr14308= (NM_001414687.1); c.40518C>G, p.Thr13506= (NM_024690.2).
Identifiers: ClinVar variation 3040995 (VCV003040995.2), dbSNP rs747933209, ClinGen allele CA9163329.